The following is an entry in ClinVar:

ClinVar aggregate classification (germline): Uncertain significance (1 of 4 stars; one submission).

Conditions:
Long QT syndrome (LQTS). Identifiers: MedGen C0023976, MeSH D008133, MONDO:0002442. Disease mechanism: loss of function. Inheritance: Various modes of inheritance.

Submission:

All of Us Research Program, National Institutes of Health
Classification: Uncertain significance for Long QT syndrome. Last evaluated: 2024-03-05. Review status: criteria provided, single submitter. Criteria: ACMG Guidelines, 2015. Collection method: clinical testing. Allele origin: germline. Inheritance: Autosomal dominant inheritance. Observed: 1 variant allele, 1 heterozygote.
Comment: This study involves interpretation of variants in research participants for the purpose of population health screening. Participant phenotype was not available at the time of variant classification. Additional details can be found in publication PMID: 35346344, PMCID: PMC8962531

NM_000218.3(KCNQ1):c.1449C>G (p.Asn483Lys)

Genes: KCNQ1 (potassium voltage-gated channel subfamily Q member 1; plus strand), KCNQ1OT1 (KCNQ1 opposite strand/antisense transcript 1; minus strand). Cytogenetic location: 11p15.5.
Variant type: single nucleotide variant.
Coding change: c.1449C>G on transcript NM_000218.3 (MANE Select); coding-DNA position 1449, C replaced by G.
Protein change: p.Asn483Lys; replaces asparagine 483 with lysine.
Molecular consequence: missense variant. On other transcripts: non-coding transcript variant (1).
Genome position (GRCh38, 1-based): chr11:2,662,016, C>G. VCF-style: chr11-2662016-C-G. GRCh37 (hg19) VCF-style: chr11-2683246-C-G.
Other names: c.1353C>G, p.Asn451Lys (NM_001406836.1); c.1179C>G, p.Asn393Lys (NM_001406837.1); c.909C>G, p.Asn303Lys (NM_001406838.1); c.1068C>G, p.Asn356Lys (NM_181798.2); short protein forms N303K, N356K, N393K, N451K, N483K.
Identifiers: ClinVar variation 3386941 (VCV003386941.1).
Genomic context (GRCh38, chr11:2,662,016, plus strand): 5'-CTCAGTAAGGAAGAGCCCAACACTGCTGGAAGTGAGCATGCCCCATTTCATGAGAACCAA[C>G]AGCTTCGCCGAGGACCTGGACCTGGAAGGGGAGACTCTGCTGACACCCATCACCCACATC-3'
Protein context (NP_000209.2, residues 473-493): EVSMPHFMRT[Asn483Lys]SFAEDLDLEG